The following is an entry in ClinVar:

NM_003482.4(KMT2D):c.2132C>T (p.Pro711Leu)

Gene: KMT2D (lysine methyltransferase 2D; minus strand). Cytogenetic location: 12q13.12.
Variant type: single nucleotide variant.
Coding change: c.2132C>T on transcript NM_003482.4 (MANE Select); coding-DNA position 2132, C replaced by T.
Protein change: p.Pro711Leu; replaces proline 711 with leucine.
Molecular consequence: missense variant.
Genome position (GRCh38, 1-based): chr12:49,051,551, G>A on the plus strand (C>T on the coding strand, the complement: KMT2D is on the minus strand). VCF-style: chr12-49051551-G-A. GRCh37 (hg19) VCF-style: chr12-49445334-G-A.
Other names: short protein forms P711L.
Identifiers: ClinVar variation 1189417 (VCV001189417.11), dbSNP rs893615522, ClinGen allele CA236619663.
Genomic context (GRCh38, chr12:49,051,551, plus strand): 5'-TCCTCAGGTAGTGGCAACAGGGGTGACTCCTCCAGCGGCAGGGACATGAGCGAGTCCTCC[G>A]GTGGTGGGGAAGCAGGTGAGTCCTCAGGTGGTGGGGATGTGGGGGAGTCCTCAGGTGGTG-3'
Protein context (NP_003473.3, residues 701-721): PPEDSPASPP[Pro711Leu]EDSLMSLPLE

ClinVar aggregate classification (germline): Conflicting classifications of pathogenicity. Review status: criteria provided, conflicting classifications (1 of 4 stars). 4 submissions from 4 submitters: Uncertain significance (2); Benign (1); Likely benign (1). Last evaluated 2026-02-03.

Conditions:
Kabuki syndrome 1 (KABUK1). Also called: KMT2D-Related Kabuki Syndrome. Identifiers: Orphanet 2322, MedGen CN030661, MONDO:0007843, OMIM 147920.
Choanal atresia-athelia-hypothyroidism-delayed puberty-short stature syndrome (BCAHH). Also called: BRANCHIAL ARCH ABNORMALITIES, CHOANAL ATRESIA, ATHELIA, HEARING LOSS, AND HYPOTHYROIDISM SYNDROME. Identifiers: Orphanet 589856, MedGen C5680310, MONDO:0035651, OMIM 620186.
Kabuki syndrome. Also called: Kabuki make-up syndrome; NIIKAWA-KUROKI SYNDROME. Identifiers: Orphanet 2322, MedGen C0796004, MONDO:0016512.
KMT2D-related disorder. Also called: KMT2D-Related Disorders.

Allele frequency attached by ClinVar (database versions not stated): gnomAD 0.00001 and 0.00002; gnomAD exomes 0.00001; TOPMed 0.00002.

Submissions (4):

Labcorp Genetics (formerly Invitae), Labcorp
Classification: Benign for Kabuki syndrome. Last evaluated: 2026-02-03. Review status: criteria provided, single submitter. Criteria: Invitae Variant Classification Sherloc (09022015). Collection method: clinical testing. Allele origin: germline.

PreventionGenetics, part of Exact Sciences
Classification: Uncertain significance for KMT2D-related condition. Last evaluated: 2025-10-13. Review status: criteria provided, single submitter. Criteria: ACMG Guidelines, 2015. Collection method: clinical testing. Allele origin: germline.
Comment: The KMT2D c.2132C>T variant is predicted to result in the amino acid substitution p.Pro711Leu. To our knowledge, this variant has not been reported in the literature. This variant is reported in 0.0087% of alleles in individuals of Latino descent in gnomAD. Although we suspect that this variant may be benign, at this time, the clinical significance of this variant is uncertain due to the absence of conclusive functional and genetic evidence.

Department of Pathology and Laboratory Medicine, Sinai Health System
Classification: Uncertain significance for Kabuki syndrome 1; Choanal atresia-athelia-hypothyroidism-delayed puberty-short stature syndrome. Last evaluated: 2021-07-30. Review status: criteria provided, single submitter. Criteria: ACMG Guidelines, 2015. Collection method: research. Allele origin: germline.

GeneDx
Classification: Likely benign. Last evaluated: 2020-12-30. Review status: criteria provided, single submitter. Criteria: GeneDx Variant Classification Process June 2021. Collection method: clinical testing. Allele origin: germline. Affected: yes.
Comment: In silico analysis, which includes protein predictors and evolutionary conservation, supports that this variant does not alter protein structure/function; Has not been previously published as pathogenic or benign in association with autism and/or intellectual disability to our knowledge; This variant is associated with the following publications: (PMID: 29269867)